The following is an entry in ClinVar:

ClinVar aggregate classification (germline): Pathogenic (1 of 4 stars; one submission).

Conditions:
Retinoblastoma (RB1). Also called: RETINOBLASTOMA, SOMATIC. Identifiers: Orphanet 790, MedGen C0035335, MeSH D012175, MONDO:0008380, OMIM 180200, HP:0009919. Disease mechanism: loss of function. Inheritance: Both sporadic and heritable forms are tested..

Submission:

Labcorp Genetics (formerly Invitae), Labcorp
Classification: Pathogenic for Retinoblastoma. Last evaluated: 2020-08-02. Review status: criteria provided, single submitter. Criteria: Invitae Variant Classification Sherloc (09022015). Collection method: clinical testing. Allele origin: germline.
Comment: For these reasons, this variant has been classified as Pathogenic. Donor and acceptor splice site variants typically lead to a loss of protein function (PMID: 16199547), and loss-of-function variants in RB1 are known to be pathogenic (PMID: 17096365). Algorithms developed to predict the effect of sequence changes on RNA splicing suggest that this variant may disrupt the consensus splice site, but this prediction has not been confirmed by published transcriptional studies. Disruption of this splice site has been observed in individual(s) with retinoblastoma (PMID: 24810223, Invitae). It has also been observed to segregate with disease in related individuals. This variant is not present in population databases (ExAC no frequency). This sequence change affects an acceptor splice site in intron 8 of the RB1 gene. It is expected to disrupt RNA splicing and likely results in an absent or disrupted protein product.

Literature cited by the submitters: PubMed 16199547; PubMed 17096365; PubMed 24810223.

NM_000321.3(RB1):c.862-1G>C

Gene: RB1 (RB transcriptional corepressor 1; plus strand). Cytogenetic location: 13q14.2.
Variant type: single nucleotide variant.
Coding change: c.862-1G>C on transcript NM_000321.3 (MANE Select); the canonical splice acceptor site of the intron before coding-DNA position 862, G replaced by C.
Molecular consequence: splice acceptor variant.
Genome position (GRCh38, 1-based): chr13:48,364,893, G>C. VCF-style: chr13-48364893-G-C. GRCh37 (hg19) VCF-style: chr13-48939029-G-C.
Other names: c.862-1G>C (NM_001407165.1, NM_001407166.1).
Identifiers: ClinVar variation 1075188 (VCV001075188.9), dbSNP rs2138116265, ClinGen allele CA388159821.